The following is an entry in ClinVar:

NM_133259.4(LRPPRC):c.3148+2C>T

Gene: LRPPRC (leucine rich pentatricopeptide repeat containing; minus strand). Cytogenetic location: 2p21.
Variant type: single nucleotide variant.
Coding change: c.3148+2C>T on transcript NM_133259.4 (MANE Select); the canonical splice donor site of the intron after coding-DNA position 3148, C replaced by T.
Molecular consequence: splice donor variant.
Genome position (GRCh38, 1-based): chr2:43,918,023, G>A on the plus strand (C>T on the coding strand, the complement: LRPPRC is on the minus strand). VCF-style: chr2-43918023-G-A. GRCh37 (hg19) VCF-style: chr2-44145162-G-A.
Identifiers: ClinVar variation 556521 (VCV000556521.6), dbSNP rs1553396068, ClinGen allele CA346667829.

ClinVar aggregate classification (germline): Uncertain significance. Review status: criteria provided, single submitter (1 of 4 stars). 2 submissions from 2 submitters: Uncertain significance (1). 1 of the submissions does not count toward it. Last evaluated 2025-10-03.

Conditions:
Congenital lactic acidosis, Saguenay-Lac-Saint-Jean type (MC4DN5). Also called: MITOCHONDRIAL COMPLEX IV DEFICIENCY, NUCLEAR TYPE 5; CYTOCHROME c OXIDASE DEFICIENCY, FRENCH CANADIAN TYPE; COX DEFICIENCY, FRENCH CANADIAN TYPE. Identifiers: Orphanet 70472, MedGen C1857355, MONDO:0009069, OMIM 220111.

Allele frequency attached by ClinVar (database versions not stated): gnomAD exomes below 0.00001.
gnomAD v4.1: 1 of 1,602,888 alleles (0.000062%); highest among the groups gnomAD compares: Non-Finnish European, 0.000085%; no homozygotes.

Submissions (2):

Labcorp Genetics (formerly Invitae), Labcorp
Classification: Uncertain significance. Last evaluated: 2025-10-03. Review status: criteria provided, single submitter. Criteria: Invitae Variant Classification Sherloc (09022015). Collection method: clinical testing. Allele origin: germline.
Comment: This sequence change falls in intron 29 of the LRPPRC gene. It does not directly change the encoded amino acid sequence of the LRPPRC protein. It affects a nucleotide within the consensus splice site. This variant is not present in population databases (gnomAD no frequency). This variant has not been reported in the literature in individuals affected with LRPPRC-related conditions. ClinVar contains an entry for this variant (Variation ID: 556521). Variants that disrupt the consensus splice site are a relatively common cause of aberrant splicing (PMID: 17576681, 9536098). In summary, the available evidence is currently insufficient to determine the role of this variant in disease. Therefore, it has been classified as a Variant of Uncertain Significance.

Counsyl
Classification: Uncertain significance for Congenital lactic acidosis, Saguenay-Lac-Saint-Jean type. Last evaluated: 2018-02-12. Review status: no assertion criteria provided. Collection method: clinical testing. Allele origin: unknown. Not counted in ClinVar's aggregate classification.

Literature cited by the submitters: PubMed 17576681 (cited by Labcorp Genetics (formerly Invitae), Labcorp); PubMed 9536098 (cited by Labcorp Genetics (formerly Invitae), Labcorp).